The following is an entry in ClinVar:

NM_000038.6(APC):c.4253T>C (p.Ile1418Thr)

Gene: APC (APC regulator of Wnt signaling pathway; plus strand). Cytogenetic location: 5q22.2.
Variant type: single nucleotide variant.
Coding change: c.4253T>C on transcript NM_000038.6 (MANE Select); coding-DNA position 4253, T replaced by C.
Protein change: p.Ile1418Thr; replaces isoleucine 1418 with threonine.
Molecular consequence: missense variant. On other transcripts: non-coding transcript variant (2).
Genome position (GRCh38, 1-based): chr5:112,839,847, T>C. VCF-style: chr5-112839847-T-C. GRCh37 (hg19) VCF-style: chr5-112175544-T-C.
Other names: c.4253T>C, p.Ile1418Thr (NM_001127510.3, NM_001354895.2, NM_001407450.1); c.4199T>C, p.Ile1400Thr (NM_001127511.3); c.4307T>C, p.Ile1436Thr (NM_001354896.2, NM_001407447.1, NM_001407448.1 and 1 more transcripts); c.4283T>C, p.Ile1428Thr (NM_001354897.2); c.4178T>C, p.Ile1393Thr (NM_001354898.2); c.4169T>C, p.Ile1390Thr (NM_001354899.2); c.4130T>C, p.Ile1377Thr (NM_001354900.2); c.4076T>C, p.Ile1359Thr (NM_001354901.2, NM_001407453.1); and 11 more; short protein forms I1327T, I1408T, I1418T, I1446T, I1034T, I1258T, I1390T, I1393T.
Identifiers: ClinVar variation 2586988 (VCV002586988.3), dbSNP rs1304517507, ClinGen allele CA16030648.

ClinVar aggregate classification (germline): Uncertain significance. Review status: criteria provided, multiple submitters, no conflicts (2 of 4 stars). 2 submissions from 2 submitters: Uncertain significance (2). Last evaluated 2025-06-09.

Conditions:
Hereditary cancer-predisposing syndrome. Also called: Hereditary neoplastic syndrome; Tumor predisposition; Hereditary Cancer Syndrome; Neoplastic Syndromes, Hereditary. Identifiers: Orphanet 140162, MedGen C0027672, MeSH D009386, MONDO:0015356.

Submissions (2):

Color Diagnostics, LLC DBA Color Health
Classification: Uncertain significance for Hereditary cancer-predisposing syndrome. Last evaluated: 2025-06-09. Review status: criteria provided, single submitter. Criteria: ACMG Guidelines, 2015. Collection method: clinical testing. Allele origin: germline.
Comment: This missense variant replaces isoleucine with threonine at codon 1418 of the APC protein. Computational prediction is inconclusive regarding the impact of this variant on protein structure and function. To our knowledge, functional studies have not been reported for this variant. This variant has not been reported in individuals affected with APC-related disorders in the literature. This variant has not been identified in the general population by the Genome Aggregation Database (gnomAD). The available evidence is insufficient to determine the role of this variant in disease conclusively. Therefore, this variant is classified as a Variant of Uncertain Significance.

Ambry Genetics
Classification: Uncertain significance for Hereditary cancer-predisposing syndrome. Last evaluated: 2023-06-24. Review status: criteria provided, single submitter. Criteria: Ambry Variant Classification Scheme 2023. Collection method: clinical testing. Allele origin: germline.
Comment: The p.I1418T variant (also known as c.4253T>C), located in coding exon 15 of the APC gene, results from a T to C substitution at nucleotide position 4253. The isoleucine at codon 1418 is replaced by threonine, an amino acid with similar properties. This amino acid position is conserved. In addition, in silico predictors for this gene do not accurately predict pathogenicity. Since supporting evidence is limited at this time, the clinical significance of this alteration remains unclear.